The following is an entry in ClinVar:

ClinVar aggregate classification (germline): Conflicting classifications of pathogenicity. Review status: criteria provided, conflicting classifications (1 of 4 stars). 2 submissions from 2 submitters: Uncertain significance (1); Likely benign (1). Last evaluated 2024-08-05.

Conditions:
Inborn genetic diseases. Identifiers: MedGen C0950123, MeSH D030342.

Allele frequency attached by ClinVar (database versions not stated): gnomAD exomes 0.00001.
gnomAD v4.1: 21 of 1,614,252 alleles (0.0013%); highest among the groups gnomAD compares: South Asian, 0.02%; no homozygotes.

Submissions (2):

Ambry Genetics
Classification: Likely benign for Inborn genetic diseases. Last evaluated: 2024-08-05. Review status: criteria provided, single submitter. Criteria: Ambry Variant Classification Scheme 2023. Collection method: clinical testing. Allele origin: germline.

Labcorp Genetics (formerly Invitae), Labcorp
Classification: Uncertain significance. Last evaluated: 2022-12-06. Review status: criteria provided, single submitter. Criteria: Invitae Variant Classification Sherloc (09022015). Collection method: clinical testing. Allele origin: germline.
Comment: In summary, the available evidence is currently insufficient to determine the role of this variant in disease. Therefore, it has been classified as a Variant of Uncertain Significance. Advanced modeling of protein sequence and biophysical properties (such as structural, functional, and spatial information, amino acid conservation, physicochemical variation, residue mobility, and thermodynamic stability) performed at Invitae indicates that this missense variant is not expected to disrupt KCNH1 protein function. ClinVar contains an entry for this variant (Variation ID: 1412646). This variant has not been reported in the literature in individuals affected with KCNH1-related conditions. This variant is present in population databases (rs116585673, gnomAD 0.03%). This sequence change replaces serine, which is neutral and polar, with threonine, which is neutral and polar, at codon 847 of the KCNH1 protein (p.Ser847Thr).

NM_172362.3(KCNH1):c.2540G>C (p.Ser847Thr)

Gene: KCNH1 (potassium voltage-gated channel subfamily H member 1; minus strand). Cytogenetic location: 1q32.2.
Variant type: single nucleotide variant.
Coding change: c.2540G>C on transcript NM_172362.3 (MANE Select); coding-DNA position 2540, G replaced by C.
Protein change: p.Ser847Thr; replaces serine 847 with threonine.
Molecular consequence: missense variant.
Genome position (GRCh38, 1-based): chr1:210,683,711, C>G on the plus strand (G>C on the coding strand, the complement: KCNH1 is on the minus strand). VCF-style: chr1-210683711-C-G. GRCh37 (hg19) VCF-style: chr1-210857053-C-G.
Other names: c.2540G>C (NM_172362.2); c.2459G>C, p.Ser820Thr (NM_002238.4); short protein forms S847T, S820T.
Identifiers: ClinVar variation 1412646 (VCV001412646.9), dbSNP rs116585673, ClinGen allele CA1379635.